The following is an entry in ClinVar:

ClinVar aggregate classification (germline): Uncertain significance (1 of 4 stars; one submission).

Conditions:
MEGF8-related Carpenter syndrome. Also called: Carpenter syndrome 2. Identifiers: Orphanet 65759, MedGen C3554247, MONDO:0013998, OMIM 614976.

Allele frequency attached by ClinVar (database versions not stated): ExAC 0.00001; gnomAD 0.00001; gnomAD exomes 0.00001 and 0.00002; TOPMed 0.00002; ESP Exome Variant Server 0.00008.
gnomAD v4.1: 16 of 1,613,822 alleles (0.00099%); highest among the groups gnomAD compares: Admixed American, 0.0017%; no homozygotes.

Submission:

Labcorp Genetics (formerly Invitae), Labcorp
Classification: Uncertain significance for MEGF8-related Carpenter syndrome. Last evaluated: 2021-09-20. Review status: criteria provided, single submitter. Criteria: Invitae Variant Classification Sherloc (09022015). Collection method: clinical testing. Allele origin: germline.
Comment: This sequence change replaces valine with isoleucine at codon 258 of the MEGF8 protein (p.Val258Ile). The valine residue is weakly conserved and there is a small physicochemical difference between valine and isoleucine. This variant is present in population databases (rs375853163, ExAC 0.001%). This variant has not been reported in the literature in individuals affected with MEGF8-related conditions. Algorithms developed to predict the effect of missense changes on protein structure and function output the following: SIFT: "Tolerated"; PolyPhen-2: "Benign"; Align-GVGD: "Class C0". The isoleucine amino acid residue is found in multiple mammalian species, which suggests that this missense change does not adversely affect protein function. In summary, the available evidence is currently insufficient to determine the role of this variant in disease. Therefore, it has been classified as a Variant of Uncertain Significance.

NM_001271938.2(MEGF8):c.772G>A (p.Val258Ile)

Gene: MEGF8 (multiple EGF like domains 8; plus strand). Cytogenetic location: 19q13.2.
Variant type: single nucleotide variant.
Coding change: c.772G>A on transcript NM_001271938.2 (MANE Select); coding-DNA position 772, G replaced by A.
Protein change: p.Val258Ile; replaces valine 258 with isoleucine.
Molecular consequence: missense variant.
Genome position (GRCh38, 1-based): chr19:42,335,329, G>A. VCF-style: chr19-42335329-G-A. GRCh37 (hg19) VCF-style: chr19-42839481-G-A.
Other names: c.772G>A, p.Val258Ile (NM_001410.3); short protein forms V258I.
Identifiers: ClinVar variation 1506088 (VCV001506088.3), dbSNP rs375853163, ClinGen allele CA9474275.